The following is an entry in ClinVar:

NM_001004334.4(GPR179):c.5574C>T (p.Asp1858=)

Gene: GPR179 (G protein-coupled receptor 179; minus strand). Cytogenetic location: 17q12.
Variant type: single nucleotide variant.
Coding change: c.5574C>T on transcript NM_001004334.4 (MANE Select); coding-DNA position 5574, C replaced by T.
Protein change: p.Asp1858=; no amino-acid change (aspartic acid 1858 retained).
Molecular consequence: synonymous variant.
Genome position (GRCh38, 1-based): chr17:38,327,995, G>A on the plus strand (C>T on the coding strand, the complement: GPR179 is on the minus strand). VCF-style: chr17-38327995-G-A. GRCh37 (hg19) VCF-style: chr17-36483878-G-A.
Identifiers: ClinVar variation 3054963 (VCV003054963.3), dbSNP rs750881196, ClinGen allele CA290103470.

ClinVar aggregate classification (germline): Likely benign. Review status: criteria provided, single submitter (1 of 4 stars). 2 submissions from 2 submitters: Likely benign (1). 1 of the submissions does not count toward it. Last evaluated 2024-11-21.

Conditions:
GPR179-related disorder. Also called: GPR179-related condition.

Allele frequency attached by ClinVar (database versions not stated): ExAC 0.00002; gnomAD exomes 0.00002; gnomAD 0.00005; TOPMed 0.00006.
gnomAD v4.1: 32 of 1,613,898 alleles (0.002%); highest among the groups gnomAD compares: African/African-American, 0.008%; no homozygotes.

Submissions (2):

Blueprint Genetics
Classification: Likely benign. Last evaluated: 2024-11-21. Review status: criteria provided, single submitter. Criteria: ACMG Guidelines, 2015. Collection method: clinical testing. Allele origin: germline.

PreventionGenetics, part of Exact Sciences
Classification: Likely benign for GPR179-related condition. Last evaluated: 2020-04-15. Review status: no assertion criteria provided. Collection method: clinical testing. Allele origin: germline. Not counted in ClinVar's aggregate classification.
Comment: This variant is classified as likely benign based on ACMG/AMP sequence variant interpretation guidelines (Richards et al. 2015 PMID: 25741868, with internal and published modifications).